The following is an entry in ClinVar:

NM_006348.5(COG5):c.1398C>G (p.Ile466Met)

Gene: COG5 (component of oligomeric golgi complex 5; minus strand). Cytogenetic location: 7q22.3.
Variant type: single nucleotide variant.
Coding change: c.1398C>G on transcript NM_006348.5 (MANE Select); coding-DNA position 1398, C replaced by G.
Protein change: p.Ile466Met; replaces isoleucine 466 with methionine.
Molecular consequence: missense variant. On other transcripts: intron variant (1).
Genome position (GRCh38, 1-based): chr7:107,283,648, G>C on the plus strand (C>G on the coding strand, the complement: COG5 is on the minus strand). VCF-style: chr7-107283648-G-C. GRCh37 (hg19) VCF-style: chr7-106924093-G-C.
Other names: c.1398C>G, p.Ile466Met (NM_001161520.2, NM_001379512.1, NM_001379513.1 and 2 more transcripts); c.828C>G, p.Ile276Met (NM_001379515.1); c.684C>G, p.Ile228Met (NM_001379516.1); c.1314-2249C>G (NM_001379511.1); short protein forms I228M, I276M, I466M.
Identifiers: ClinVar variation 4004847 (VCV004004847.2).
Genomic context (GRCh38, chr7:107,283,648, plus strand): 5'-AATACCATCAAGTTCATCAGAGGAAGGAGGATTACGACCACCCGGGGGAAAAACCAAGTT[G>C]ATAGGATCGAAGAGTCGAGATAAGGATTTTGATAGATAAGCAGCCTCATAGGGTTGTAGT-3'
Protein context (NP_006339.4, residues 456-476): SKSLSRLFDP[Ile466Met]NLVFPPGGRN

ClinVar aggregate classification (germline): Uncertain significance. Review status: criteria provided, multiple submitters, no conflicts (2 of 4 stars). 2 submissions from 2 submitters: Uncertain significance (2). Last evaluated 2025-10-29.

Conditions:
COG5-congenital disorder of glycosylation. Also called: CONGENITAL DISORDER OF GLYCOSYLATION, TYPE IIi; CDG IIi; COG5-CDG. Identifiers: Orphanet 263487, MedGen C3150876, MONDO:0013325, OMIM 613612.
Inborn genetic diseases. Identifiers: MedGen C0950123, MeSH D030342.

gnomAD v4.1: 3 of 1,613,734 alleles (0.00019%); highest among the groups gnomAD compares: Non-Finnish European, 0.00025%; no homozygotes.

Submissions (2):

Labcorp Genetics (formerly Invitae), Labcorp
Classification: Uncertain significance for COG5-congenital disorder of glycosylation. Last evaluated: 2025-10-29. Review status: criteria provided, single submitter. Criteria: Invitae Variant Classification Sherloc (09022015). Collection method: clinical testing. Allele origin: germline.
Comment: This sequence change replaces isoleucine, which is neutral and non-polar, with methionine, which is neutral and non-polar, at codon 497 of the COG5 protein (p.Ile497Met). This variant is present in population databases (rs200061899, gnomAD 0.0009%). This variant has not been reported in the literature in individuals affected with COG5-related conditions. ClinVar contains an entry for this variant (Variation ID: 4004847). Invitae Evidence Modeling of protein sequence and biophysical properties (such as structural, functional, and spatial information, amino acid conservation, physicochemical variation, residue mobility, and thermodynamic stability) has been performed for this missense variant. However, the output from this modeling did not meet the statistical confidence thresholds required to predict the impact of this variant on COG5 protein function. In summary, the available evidence is currently insufficient to determine the role of this variant in disease. Therefore, it has been classified as a Variant of Uncertain Significance.

Ambry Genetics
Classification: Uncertain significance for Inborn genetic diseases. Last evaluated: 2025-04-01. Review status: criteria provided, single submitter. Criteria: Ambry Variant Classification Scheme 2023. Collection method: clinical testing. Allele origin: germline.